The following is an entry in ClinVar:

ClinVar aggregate classification (germline): Likely benign. Review status: criteria provided, multiple submitters, no conflicts (2 of 4 stars). 2 submissions from 2 submitters: Likely benign (2). Last evaluated 2024-05-15.

Conditions:
Familial cancer of breast. Also called: BREAST CANCER, FAMILIAL; Hereditary breast cancer; hereditary breast carcinoma. Identifiers: Orphanet 227535, MedGen C0346153, MONDO:0016419, OMIM 114480. Disease mechanism: loss of function.
Ataxia-telangiectasia syndrome (AT). Also called: Ataxia-telangiectasia, complementation group E; Ataxia-telangiectasia; ATAXIA-TELANGIECTASIA, COMPLEMENTATION GROUP A; Ataxia-telangiectasia, complementation group D; Ataxia telangiectasia (A-T); LOUIS-BAR SYNDROME. Identifiers: Orphanet 100, MedGen C0004135, MONDO:0008840, OMIM 208900.

Submissions (2):

Myriad Genetics, Inc.
Classification: Likely benign for Familial cancer of breast. Last evaluated: 2024-05-15. Review status: criteria provided, single submitter. Criteria: Myriad Autosomal Dominant, Autosomal Recessive and X-Linked Classification Criteria (2023). Collection method: clinical testing. Allele origin: unknown.
Comment: This variant is considered likely benign. This variant is intronic and is not expected to impact mRNA splicing.

Labcorp Genetics (formerly Invitae), Labcorp
Classification: Likely benign for Ataxia-telangiectasia syndrome. Last evaluated: 2022-06-09. Review status: criteria provided, single submitter. Criteria: Invitae Variant Classification Sherloc (09022015). Collection method: clinical testing. Allele origin: germline.

NM_000051.4(ATM):c.3577-6G>C

Gene: ATM (ATM serine/threonine kinase; plus strand). Cytogenetic location: 11q22.3.
Variant type: single nucleotide variant.
Coding change: c.3577-6G>C on transcript NM_000051.4 (MANE Select); 6 bases into the intron before coding-DNA position 3577, G replaced by C.
Molecular consequence: intron variant.
Genome position (GRCh38, 1-based): chr11:108,282,704, G>C. VCF-style: chr11-108282704-G-C. GRCh37 (hg19) VCF-style: chr11-108153431-G-C.
Other names: c.3577-6G>C (NM_001351834.2).
Identifiers: ClinVar variation 2000961 (VCV002000961.5), dbSNP rs56006345, ClinGen allele CA2580083235.